The following is an entry in ClinVar:

ClinVar aggregate classification (germline): Likely benign. Review status: criteria provided, multiple submitters, no conflicts (2 of 4 stars). 2 submissions from 2 submitters: Likely benign (2). Last evaluated 2025-08-20.

Conditions:
Charcot-Marie-Tooth disease axonal type 2C (HMSN2C). Also called: Charcot-Marie-Tooth Disease Type 2, TRPV4-Related (CMT2C); CHARCOT-MARIE-TOOTH DISEASE, AXONAL, AUTOSOMAL DOMINANT, TYPE 2C; Charcot-Marie-Tooth Neuropathy Type 2C. Identifiers: Orphanet 99937, MedGen C1853710, MONDO:0011633, OMIM 606071.
TRPV4-related disorder. Also called: TRPV4-related disorders; TRPV4-related condition.

Allele frequency attached by ClinVar (database versions not stated): gnomAD 0.00001; gnomAD exomes 0.00002; TOPMed 0.00003.
gnomAD v4.1: 14 of 1,613,848 alleles (0.00087%); highest among the groups gnomAD compares: South Asian, 0.0055%; no homozygotes.

Submissions (2):

PreventionGenetics, part of Exact Sciences
Classification: Likely benign for TRPV4-related condition. Last evaluated: 2025-08-20. Review status: criteria provided, single submitter. Criteria: ACMG Guidelines, 2015. Collection method: clinical testing. Allele origin: germline.
Comment: This variant is classified as likely benign based on ACMG/AMP sequence variant interpretation guidelines (Richards et al. 2015 PMID: 25741868, with internal and published modifications).

Labcorp Genetics (formerly Invitae), Labcorp
Classification: Likely benign for Charcot-Marie-Tooth disease axonal type 2C. Last evaluated: 2024-01-13. Review status: criteria provided, single submitter. Criteria: Invitae Variant Classification Sherloc (09022015). Collection method: clinical testing. Allele origin: germline.

NM_021625.5(TRPV4):c.561G>A (p.Glu187=)

Gene: TRPV4 (transient receptor potential cation channel subfamily V member 4; minus strand). Cytogenetic location: 12q24.11.
Variant type: single nucleotide variant.
Coding change: c.561G>A on transcript NM_021625.5 (MANE Select); coding-DNA position 561, G replaced by A.
Protein change: p.Glu187=; no amino-acid change (glutamic acid 187 retained).
Molecular consequence: synonymous variant.
Genome position (GRCh38, 1-based): chr12:109,803,142, C>T on the plus strand (G>A on the coding strand, the complement: TRPV4 is on the minus strand). VCF-style: chr12-109803142-C-T. GRCh37 (hg19) VCF-style: chr12-110240947-C-T.
Other names: c.561G>A, p.Glu187= (NM_001177428.2, NM_001177433.2, NM_147204.3); c.459G>A, p.Glu153= (NM_001177431.2).
Identifiers: ClinVar variation 1612139 (VCV001612139.9), dbSNP rs1190778746, ClinGen allele CA481719972.